The following is an entry in ClinVar:

NM_006254.4(PRKCD):c.1306A>T (p.Met436Leu)

Gene: PRKCD (protein kinase C delta; plus strand). Cytogenetic location: 3p21.1.
Variant type: single nucleotide variant.
Coding change: c.1306A>T on transcript NM_006254.4 (MANE Select); coding-DNA position 1306, A replaced by T.
Protein change: p.Met436Leu; replaces methionine 436 with leucine.
Molecular consequence: missense variant.
Genome position (GRCh38, 1-based): chr3:53,186,649, A>T. VCF-style: chr3-53186649-A-T. GRCh37 (hg19) VCF-style: chr3-53220665-A-T.
Other names: c.1306A>T, p.Met436Leu (NM_001316327.2, NM_001354679.2, NM_001354680.2 and 1 more transcripts); c.1363A>T, p.Met455Leu (NM_001354676.2); c.1354A>T, p.Met452Leu (NM_001354678.2); short protein forms M436L, M455L, M452L.
Identifiers: ClinVar variation 936589 (VCV000936589.6), dbSNP rs1439886101, ClinGen allele CA353222360.

ClinVar aggregate classification (germline): Uncertain significance (1 of 4 stars; one submission).

Conditions:
Autoimmune lymphoproliferative syndrome, type III caused by mutation in PRKCD. Identifiers: Orphanet 3261, Orphanet 664711, MedGen C3809928, MONDO:8000024, OMIM 615559.

Allele frequency attached by ClinVar (database versions not stated): TOPMed 0.00001.

Submission:

Labcorp Genetics (formerly Invitae), Labcorp
Classification: Uncertain significance for Autoimmune lymphoproliferative syndrome, type III caused by mutation in PRKCD. Last evaluated: 2023-08-10. Review status: criteria provided, single submitter. Criteria: Invitae Variant Classification Sherloc (09022015). Collection method: clinical testing. Allele origin: germline.
Comment: In summary, the available evidence is currently insufficient to determine the role of this variant in disease. Therefore, it has been classified as a Variant of Uncertain Significance. An algorithm developed to predict the effect of missense changes on protein structure and function (PolyPhen-2) suggests that this variant is likely to be disruptive. ClinVar contains an entry for this variant (Variation ID: 936589). This variant has not been reported in the literature in individuals affected with PRKCD-related conditions. This variant is not present in population databases (gnomAD no frequency). This sequence change replaces methionine, which is neutral and non-polar, with leucine, which is neutral and non-polar, at codon 436 of the PRKCD protein (p.Met436Leu).